The following is an entry in ClinVar:

NM_001127222.2(CACNA1A):c.399+1G>C

Gene: CACNA1A (calcium voltage-gated channel subunit alpha1 A; minus strand). Cytogenetic location: 19p13.13.
Variant type: single nucleotide variant.
Coding change: c.399+1G>C on transcript NM_001127222.2 (MANE Select); the canonical splice donor site of the intron after coding-DNA position 399, G replaced by C.
Molecular consequence: splice donor variant.
Genome position (GRCh38, 1-based): chr19:13,455,106, C>G on the plus strand (G>C on the coding strand, the complement: CACNA1A is on the minus strand). VCF-style: chr19-13455106-C-G. GRCh37 (hg19) VCF-style: chr19-13565920-C-G.
Other names: c.399+1G>C (NM_001127221.2, NM_001174080.2, NM_000068.4 and 1 more transcripts).
Identifiers: ClinVar variation 995018 (VCV000995018.1), dbSNP rs2060983144, ClinGen allele CA404967736.

ClinVar aggregate classification (germline): Likely pathogenic (1 of 4 stars; one submission).

Submission:

Athena Diagnostics
Classification: Likely pathogenic. Last evaluated: 2020-05-15. Review status: criteria provided, single submitter. Criteria: Athena Diagnostics Criteria. Collection method: clinical testing. Allele origin: unknown.
Comment: The variant disrupts a canonical splice site, and is therefore predicted to result in the loss of a functional protein. Not found in the total gnomAD dataset, and the data is high quality.